The following is an entry in ClinVar:

ClinVar aggregate classification (germline): Uncertain significance (1 of 4 stars; one submission).

gnomAD v4.1: 47 of 1,611,736 alleles (0.0029%); highest among the groups gnomAD compares: African/African-American, 0.0067%; no homozygotes.

Submission:

Labcorp Genetics (formerly Invitae), Labcorp
Classification: Uncertain significance. Last evaluated: 2026-01-25. Review status: criteria provided, single submitter. Criteria: Invitae Variant Classification Sherloc (09022015). Collection method: clinical testing. Allele origin: germline.
Comment: This sequence change replaces alanine, which is neutral and non-polar, with threonine, which is neutral and polar, at codon 261 of the CPAMD8 protein (p.Ala261Thr). This variant is present in population databases (rs767087866, gnomAD 0.007%). This variant has not been reported in the literature in individuals affected with CPAMD8-related conditions. An algorithm developed to predict the effect of missense changes on protein structure and function outputs the following: PolyPhen-2: "Benign". The threonine amino acid residue is found in multiple mammalian species, which suggests that this missense change does not adversely affect protein function. In summary, the available evidence is currently insufficient to determine the role of this variant in disease. Therefore, it has been classified as a Variant of Uncertain Significance.

NM_015692.5(CPAMD8):c.640G>A (p.Ala214Thr)

Gene: CPAMD8 (C3 and PZP like alpha-2-macroglobulin domain containing 8; minus strand). Cytogenetic location: 19p13.11.
Variant type: single nucleotide variant.
Coding change: c.640G>A on transcript NM_015692.5 (MANE Select); coding-DNA position 640, G replaced by A.
Protein change: p.Ala214Thr; replaces alanine 214 with threonine.
Molecular consequence: missense variant. On other transcripts: non-coding transcript variant (1).
Genome position (GRCh38, 1-based): chr19:17,004,306, C>T on the plus strand (G>A on the coding strand, the complement: CPAMD8 is on the minus strand). VCF-style: chr19-17004306-C-T. GRCh37 (hg19) VCF-style: chr19-17115116-C-T.
Other names: short protein forms A214T.
Identifiers: ClinVar variation 4753291 (VCV004753291.1).
Genomic context (GRCh38, chr19:17,004,306, plus strand): 5'-CCAAGACCCTGAGATTCTCCAACTTACCATACTTCTGAACTTCAAAAGACTTGTTGTACG[C>T]GTGGCCTTGCATTTCAACAAAAATGAACCATTCTCCCAACACAGGCTGGTCGGACAAGGG-3'
Protein context (NP_056507.3, residues 204-224): WFIFVEMQGH[Ala214Thr]YNKSFEVQKY